The following is an entry in ClinVar:

NM_032634.4(PIGO):c.1119+7A>G

Gene: PIGO (phosphatidylinositol glycan anchor biosynthesis class O; minus strand). Cytogenetic location: 9p13.3.
Variant type: single nucleotide variant.
Coding change: c.1119+7A>G on transcript NM_032634.4 (MANE Select); 7 bases into the intron after coding-DNA position 1119, A replaced by G.
Molecular consequence: intron variant.
Genome position (GRCh38, 1-based): chr9:35,093,023, T>C on the plus strand (A>G on the coding strand, the complement: PIGO is on the minus strand). VCF-style: chr9-35093023-T-C. GRCh37 (hg19) VCF-style: chr9-35093020-T-C.
Other names: p.?; c.1119+7A>G (NM_152850.4, NM_001201484.2).
Identifiers: ClinVar variation 262093 (VCV000262093.20), dbSNP rs568300, ClinGen allele CA5040729.

ClinVar aggregate classification (germline): Benign/Likely benign. Review status: criteria provided, multiple submitters, no conflicts (2 of 4 stars). 9 submissions from 9 submitters: Benign (8); Likely benign (1). Last evaluated 2026-02-04.

Conditions:
Hyperphosphatasia with impaired intellectual development syndrome 2. Also called: Hyperphosphatasia with intellectual disability syndrome 2; GLYCOSYLPHOSPHATIDYLINOSITOL BIOSYNTHESIS DEFECT 6. Identifiers: Orphanet 247262, MedGen C3553637, MONDO:0013882, OMIM 614749.

Allele frequency attached by ClinVar (database versions not stated): 1000 Genomes Project 0.47404; 1000 Genomes Project 30x 0.48064; ESP Exome Variant Server 0.51899; TOPMed 0.51923; gnomAD 0.52074 and 0.52243; ExAC 0.54403; gnomAD exomes 0.54630 and 0.54760.
gnomAD v4.1: 869,150 of 1,596,962 alleles (54%); highest among the groups gnomAD compares: Admixed American, 64%; 239,260 homozygotes.

Submissions (9):

Labcorp Genetics (formerly Invitae), Labcorp
Classification: Benign for Hyperphosphatasia with impaired intellectual development syndrome 2. Last evaluated: 2026-02-04. Review status: criteria provided, single submitter. Criteria: Invitae Variant Classification Sherloc (09022015). Collection method: clinical testing. Allele origin: germline.

Blueprint Genetics
Classification: Likely benign. Last evaluated: 2024-11-27. Review status: criteria provided, single submitter. Criteria: ACMG Guidelines, 2015. Collection method: clinical testing. Allele origin: germline.

Genome-Nilou Lab
Classification: Benign for Hyperphosphatasia with impaired intellectual development syndrome 2. Last evaluated: 2021-09-05. Review status: criteria provided, single submitter. Criteria: ACMG Guidelines, 2015. Collection method: clinical testing. Allele origin: germline. Affected: no.

Mayo Clinic Laboratories, Mayo Clinic
Classification: Benign. Last evaluated: 2018-04-02. Review status: criteria provided, single submitter. Criteria: ACMG Guidelines, 2015. Collection method: clinical testing. Allele origin: germline. Observed: 490 variant alleles.

Illumina Laboratory Services, Illumina
Classification: Benign for Hyperphosphatasia with impaired intellectual development syndrome 2. Last evaluated: 2018-01-13. Review status: criteria provided, single submitter. Criteria: ICSL Variant Classification Criteria 13 December 2019. Collection method: clinical testing. Allele origin: germline.
Comment: This variant was observed in the ICSL laboratory as part of a predisposition screen in an ostensibly healthy population. It had not been previously curated by ICSL or reported in the Human Gene Mutation Database (HGMD: prior to June 1st, 2018), and was therefore a candidate for classification through an automated scoring system. Utilizing variant allele frequency, disease prevalence and penetrance estimates, and inheritance mode, an automated score was calculated to assess if this variant is too frequent to cause the disease. Based on the score and internal cut-off values, a variant classified as benign is not then subjected to further curation. The score for this variant resulted in a classification of benign for this disease.

Athena Diagnostics
Classification: Benign. Last evaluated: 2017-04-20. Review status: criteria provided, single submitter. Criteria: Athena Diagnostics Criteria. Collection method: clinical testing. Allele origin: germline.

GeneDx
Classification: Benign. Last evaluated: 2016-01-05. Review status: criteria provided, single submitter. Criteria: GeneDx Variant Classification (06012015). Collection method: clinical testing. Allele origin: germline. Affected: yes.
Comment: This variant is considered likely benign or benign based on one or more of the following criteria: it is a conservative change, it occurs at a poorly conserved position in the protein, it is predicted to be benign by multiple in silico algorithms, and/or has population frequency not consistent with disease.

Breakthrough Genomics
Classification: Benign. Review status: criteria provided, single submitter. Criteria: ACMG Guidelines, 2015. Collection method: not provided. Allele origin: germline. Inheritance: Autosomal recessive inheritance. Affected: yes.

PreventionGenetics, part of Exact Sciences
Classification: Benign. Review status: criteria provided, single submitter. Criteria: ACMG Guidelines, 2015. Collection method: clinical testing. Allele origin: germline.